The following is an entry in ClinVar:

NM_004082.5(DCTN1):c.2344C>G (p.Leu782Val)

Gene: DCTN1 (dynactin subunit 1; minus strand). Cytogenetic location: 2p13.1.
Variant type: single nucleotide variant.
Coding change: c.2344C>G on transcript NM_004082.5 (MANE Select); coding-DNA position 2344, C replaced by G.
Protein change: p.Leu782Val; replaces leucine 782 with valine.
Molecular consequence: missense variant. On other transcripts: non-coding transcript variant (1).
Genome position (GRCh38, 1-based): chr2:74,366,905, G>C on the plus strand (C>G on the coding strand, the complement: DCTN1 is on the minus strand). VCF-style: chr2-74366905-G-C. GRCh37 (hg19) VCF-style: chr2-74594032-G-C.
Other names: c.2284C>G, p.Leu762Val (NM_001135040.3); c.1942C>G, p.Leu648Val (NM_001135041.3, NM_023019.4); c.2233C>G, p.Leu745Val (NM_001190836.2); c.2323C>G, p.Leu775Val (NM_001190837.2); c.2293C>G, p.Leu765Val (NM_001378991.1); c.2275C>G, p.Leu759Val (NM_001378992.1); short protein forms L759V, L762V, L775V, L745V, L765V, L648V, L782V.
Identifiers: ClinVar variation 1492172 (VCV001492172.8), dbSNP rs2104417734, ClinGen allele CA347347806.
Genomic context (GRCh38, chr2:74,366,905, plus strand): 5'-GGATCTTCTTGCAGAACTGGCGGATGTCACTGCATGAAGTTTCCAGATCCCGGAGCAGGA[G>C]GGCAATATCTGTAGCCTCCTGCCCACCCTACTCAGGAAAAAGAAAATGGATGGAGAACCA-3'
Protein context (NP_004073.2, residues 772-792): QGGQEATDIA[Leu782Val]LLRDLETSCS

ClinVar aggregate classification (germline): Uncertain significance (1 of 4 stars; one submission).

Conditions:
Perry syndrome. Also called: PARKINSONISM WITH ALVEOLAR HYPOVENTILATION AND MENTAL DEPRESSION. Identifiers: Orphanet 178509, MedGen C1868594, MONDO:0008201, OMIM 168605.
Neuronopathy, distal hereditary motor, type 7B. Also called: HMN VIIB; Distal Hereditary Motor Neuronopathy Type 7B (dHMN7B); LOWER MOTOR NEURON DISEASE, DYNACTIN TYPE; NEURONOPATHY, DISTAL HEREDITARY MOTOR, AUTOSOMAL DOMINANT 14; NEURONOPATHY, DISTAL HEREDITARY MOTOR, HARDING TYPE VIIB; NEUROPATHY, DISTAL HEREDITARY MOTOR, HARDING TYPE VIIB. Identifiers: Orphanet 139589, MedGen C1843315, MONDO:0011879, OMIM 607641.
Amyotrophic lateral sclerosis type 1 (ALS1). Also called: AMYOTROPHIC LATERAL SCLEROSIS 1, FAMILIAL. Identifiers: Orphanet 803, MedGen C1862939, MONDO:0007103, OMIM 105400.

gnomAD v4.1: 1 of 1,614,224 alleles (0.000062%); highest among the groups gnomAD compares: Non-Finnish European, 0.000085%; no homozygotes.

Submission:

Labcorp Genetics (formerly Invitae), Labcorp
Classification: Uncertain significance for Amyotrophic lateral sclerosis type 1; Neuronopathy, distal hereditary motor, type 7B; Perry syndrome. Last evaluated: 2020-11-21. Review status: criteria provided, single submitter. Criteria: Invitae Variant Classification Sherloc (09022015). Collection method: clinical testing. Allele origin: germline.
Comment: This variant has not been reported in the literature in individuals with DCTN1-related conditions. This variant is not present in population databases (ExAC no frequency). This sequence change replaces leucine with valine at codon 782 of the DCTN1 protein (p.Leu782Val). The leucine residue is highly conserved and there is a small physicochemical difference between leucine and valine. Algorithms developed to predict the effect of missense changes on protein structure and function are either unavailable or do not agree on the potential impact of this missense change (SIFT: "Deleterious"; PolyPhen-2: "Benign"; Align-GVGD: "Class C25"). In summary, the available evidence is currently insufficient to determine the role of this variant in disease. Therefore, it has been classified as a Variant of Uncertain Significance.